The following is an entry in ClinVar:

NM_006379.5(SEMA3C):c.327+7G>T

Gene: SEMA3C (semaphorin 3C; minus strand). Cytogenetic location: 7q21.11.
Variant type: single nucleotide variant.
Coding change: c.327+7G>T on transcript NM_006379.5 (MANE Select); 7 bases into the intron after coding-DNA position 327, G replaced by T.
Molecular consequence: intron variant.
Genome position (GRCh38, 1-based): chr7:80,827,418, C>A on the plus strand (G>T on the coding strand, the complement: SEMA3C is on the minus strand). VCF-style: chr7-80827418-C-A. GRCh37 (hg19) VCF-style: chr7-80456734-C-A.
Other names: c.381+7G>T (NM_001350120.2); c.153+7G>T (NM_001350121.2).
Identifiers: ClinVar variation 3043107 (VCV003043107.2), dbSNP rs1199857515, ClinGen allele CA575795899.
Genomic context (GRCh38, chr7:80,827,418, plus strand): 5'-TACATGGATTCGAAAACCAAATATTTAAGTTAGTGTTTTTTTTTTTTTTTTTTTTTTTAA[C>A]ACTTACTGTGGGATCTTTGCCAGCCATTTTGCATTCTTCAACTTTGATTGTAGATGCTGG-3'

ClinVar aggregate classification (germline): Likely benign (0 of 4 stars; one submission).

Conditions:
SEMA3C-related disorder. Also called: SEMA3C-related condition.

Submission:

PreventionGenetics, part of Exact Sciences
Classification: Likely benign for SEMA3C-related condition. Last evaluated: 2021-06-02. Review status: no assertion criteria provided. Collection method: clinical testing. Allele origin: germline.
Comment: This variant is classified as likely benign based on ACMG/AMP sequence variant interpretation guidelines (Richards et al. 2015 PMID: 25741868, with internal and published modifications).